The following is an entry in ClinVar:

NM_000051.4(ATM):c.1236-3T>C

Gene: ATM (ATM serine/threonine kinase; plus strand). Cytogenetic location: 11q22.3.
Variant type: single nucleotide variant.
Coding change: c.1236-3T>C on transcript NM_000051.4 (MANE Select); 3 bases into the intron before coding-DNA position 1236, T replaced by C.
Molecular consequence: intron variant.
Genome position (GRCh38, 1-based): chr11:108,250,698, T>C. VCF-style: chr11-108250698-T-C. GRCh37 (hg19) VCF-style: chr11-108121425-T-C.
Other names: c.1236-3T>C (NM_001351834.2).
Identifiers: ClinVar variation 508505 (VCV000508505.11), dbSNP rs763976313, ClinGen allele CA658797786.

ClinVar aggregate classification (germline): Conflicting classifications of pathogenicity. Review status: criteria provided, conflicting classifications (1 of 4 stars). 4 submissions from 4 submitters: Uncertain significance (2); Likely benign (2). Last evaluated 2024-04-26.

Conditions:
Hereditary cancer-predisposing syndrome. Also called: Hereditary Cancer Syndrome; Tumor predisposition; Neoplastic Syndromes, Hereditary; Hereditary neoplastic syndrome. Identifiers: Orphanet 140162, MedGen C0027672, MeSH D009386, MONDO:0015356.
Ataxia-telangiectasia syndrome (AT). Also called: Cerebello-oculocutaneous telangiectasia; Immunodeficiency with ataxia telangiectasia; AT, COMPLEMENTATION GROUP C; Ataxia-telangiectasia, complementation group D; LOUIS-BAR SYNDROME; Ataxia-telangiectasia, complementation group E. Identifiers: Orphanet 100, MedGen C0004135, MONDO:0008840, OMIM 208900.
Familial cancer of breast. Also called: BREAST CANCER, FAMILIAL; Hereditary breast cancer; hereditary breast carcinoma. Identifiers: Orphanet 227535, MedGen C0346153, MONDO:0016419, OMIM 114480. Disease mechanism: loss of function.

Submissions (4):

Myriad Genetics, Inc.
Classification: Likely benign for Familial cancer of breast. Last evaluated: 2024-04-26. Review status: criteria provided, single submitter. Criteria: Myriad Autosomal Dominant, Autosomal Recessive and X-Linked Classification Criteria (2023). Collection method: clinical testing. Allele origin: unknown.
Comment: This variant is considered likely benign. This variant is intronic and is not expected to impact mRNA splicing.

Ambry Genetics
Classification: Uncertain significance for Hereditary cancer-predisposing syndrome. Last evaluated: 2024-01-19. Review status: criteria provided, single submitter. Criteria: Ambry Variant Classification Scheme 2023. Collection method: clinical testing. Allele origin: germline.
Comment: The c.1236-3T>C intronic variant results from a T to C substitution 3 nucleotides before coding exon 9 in the ATM gene. This nucleotide position is not well conserved in available vertebrate species. In silico splice site analysis predicts that this alteration will not have any significant effect on splicing. Based on the available evidence, the clinical significance of this alteration remains unclear.

Labcorp Genetics (formerly Invitae), Labcorp
Classification: Uncertain significance for Ataxia-telangiectasia syndrome. Last evaluated: 2018-09-30. Review status: criteria provided, single submitter. Criteria: Invitae Variant Classification Sherloc (09022015). Collection method: clinical testing. Allele origin: germline.
Comment: This sequence change falls in intron 9 of the ATM gene. It does not directly change the encoded amino acid sequence of the ATM protein, but it affects a nucleotide within the consensus splice site of the intron. This variant is not present in population databases (ExAC no frequency). This variant has not been reported in the literature in individuals with ATM-related disease. ClinVar contains an entry for this variant (Variation ID: 508505). Nucleotide substitutions within the consensus splice site are a relatively common cause of aberrant splicing (PMID: 17576681, 9536098). Algorithms developed to predict the effect of sequence changes on RNA splicing suggest that this variant is not likely to affect RNA splicing, but this prediction has not been confirmed by published transcriptional studies. In summary, the available evidence is currently insufficient to determine the role of this variant in disease. Therefore, it has been classified as a Variant of Uncertain Significance.

GeneDx
Classification: Likely benign. Last evaluated: 2017-04-03. Review status: criteria provided, single submitter. Criteria: GeneDx Variant Classification (06012015). Collection method: clinical testing. Allele origin: germline. Affected: yes.
Comment: This variant is considered likely benign or benign based on one or more of the following criteria: it is a conservative change, it occurs at a poorly conserved position in the protein, it is predicted to be benign by multiple in silico algorithms, and/or has population frequency not consistent with disease.

Literature cited by the submitters: PubMed 17576681 (cited by Labcorp Genetics (formerly Invitae), Labcorp); PubMed 9536098 (cited by Labcorp Genetics (formerly Invitae), Labcorp).